The following is an entry in ClinVar:

NC_000023.10:g.(?_32429859)_(32536258_?)dup

Gene: DMD (dystrophin; minus strand). Cytogenetic location: Xp21.1.
Variant type: Duplication.
Identifiers: ClinVar variation 1067795 (VCV001067795.6).

ClinVar aggregate classification (germline): Likely pathogenic (1 of 4 stars; one submission).

Conditions:
Duchenne muscular dystrophy (DMD). Also called: MUSCULAR DYSTROPHY, PSEUDOHYPERTROPHIC PROGRESSIVE, DUCHENNE TYPE; Duchenne Muscular Dystrophy (DMD). Identifiers: Orphanet 98896, MedGen C0013264, MONDO:0010679, OMIM 310200.

Submission:

Labcorp Genetics (formerly Invitae), Labcorp
Classification: Likely pathogenic for Duchenne muscular dystrophy. Last evaluated: 2020-10-08. Review status: criteria provided, single submitter. Criteria: Invitae Variant Classification Sherloc (09022015). Collection method: clinical testing. Allele origin: germline.
Comment: In summary, the currently available evidence indicates that the variant is pathogenic, but additional data are needed to prove that conclusively. Therefore, this variant has been classified as Likely Pathogenic. Loss-of-function variants in DMD are known to be pathogenic (PMID: 16770791, 25007885). A similar copy number variant has been observed in individual(s) with clinical features of Duchenne and/or Becker muscular dystrophy (PMID: 29973226). This variant results in a copy number gain of the genomic region encompassing exon(s) 18-30 of the DMD gene. While the exact position of this variant cannot be determined from the data, sub-genic copy number gains are generally in tandem (PMID: 25640679). This variant is predicted to be out-of-frame, and may result in an absent or disrupted protein product.

Literature cited by the submitters: PubMed 16770791; PubMed 25007885; PubMed 29973226; PubMed 25640679.